The following is an entry in ClinVar:

NM_032237.5(POMK):c.46G>A (p.Glu16Lys)

Gene: POMK (protein O-mannose kinase; plus strand). Cytogenetic location: 8p11.21.
Variant type: single nucleotide variant.
Coding change: c.46G>A on transcript NM_032237.5 (MANE Select); coding-DNA position 46, G replaced by A.
Protein change: p.Glu16Lys; replaces glutamic acid 16 with lysine.
Molecular consequence: missense variant.
Genome position (GRCh38, 1-based): chr8:43,103,594, G>A. VCF-style: chr8-43103594-G-A. GRCh37 (hg19) VCF-style: chr8-42958737-G-A.
Other names: c.46G>A, p.Glu16Lys (NM_001277971.2); c.46G>A (NM_032237.3); short protein forms E16K.
Identifiers: ClinVar variation 1502572 (VCV001502572.8), dbSNP rs760216520, ClinGen allele CA4736180.

ClinVar aggregate classification (germline): Uncertain significance. Review status: criteria provided, multiple submitters, no conflicts (2 of 4 stars). 2 submissions from 2 submitters: Uncertain significance (2). Last evaluated 2025-08-30.

Conditions:
Inborn genetic diseases. Identifiers: MedGen C0950123, MeSH D030342.
Limb-girdle muscular dystrophy due to POMK deficiency. Also called: MUSCULAR DYSTROPHY-DYSTROGLYCANOPATHY, LIMB-GIRDLE, POMK-RELATED; Muscular dystrophy-dystroglycanopathy (limb-girdle), type c, 12. Identifiers: Orphanet 445110, MedGen C4015184, MONDO:0014489, OMIM 616094.
Muscular dystrophy-dystroglycanopathy (congenital with brain and eye anomalies), type a, 12 (MDDGA12). Also called: WALKER-WARBURG SYNDROME OR MUSCLE-EYE-BRAIN DISEASE, POMK-RELATED. Identifiers: Orphanet 899, MedGen C3808964, MONDO:0014101, OMIM 615249.

Allele frequency attached by ClinVar (database versions not stated): gnomAD exomes below 0.00001 and 0.00002; gnomAD 0.00001; ExAC 0.00002; TOPMed 0.00003.
gnomAD v4.1: 35 of 1,614,050 alleles (0.0022%); highest among the groups gnomAD compares: Middle Eastern, 0.016%; no homozygotes.

Submissions (2):

Ambry Genetics
Classification: Uncertain significance for Inborn genetic diseases. Last evaluated: 2025-08-30. Review status: criteria provided, single submitter. Criteria: Ambry Variant Classification Scheme 2023. Collection method: clinical testing. Allele origin: germline.

Labcorp Genetics (formerly Invitae), Labcorp
Classification: Uncertain significance for Muscular dystrophy-dystroglycanopathy (congenital with brain and eye anomalies), type a, 12; Limb-girdle muscular dystrophy due to POMK deficiency. Last evaluated: 2022-06-19. Review status: criteria provided, single submitter. Criteria: Invitae Variant Classification Sherloc (09022015). Collection method: clinical testing. Allele origin: germline.
Comment: Algorithms developed to predict the effect of missense changes on protein structure and function (SIFT, PolyPhen-2, Align-GVGD) all suggest that this variant is likely to be tolerated. In summary, the available evidence is currently insufficient to determine the role of this variant in disease. Therefore, it has been classified as a Variant of Uncertain Significance. This variant has not been reported in the literature in individuals affected with POMK-related conditions. This variant is present in population databases (rs760216520, gnomAD 0.002%). This sequence change replaces glutamic acid, which is acidic and polar, with lysine, which is basic and polar, at codon 16 of the POMK protein (p.Glu16Lys).